The following is an entry in ClinVar:

ClinVar aggregate classification (germline): Pathogenic (1 of 4 stars; one submission).

Conditions:
Mitochondrial DNA depletion syndrome 1. Also called: Mitochondrial neurogastrointestinal encephalomyopathy syndrome; Mitochondrial DNA Depletion Syndrome, MNGIE Form; POLIP SYNDROME; POLYNEUROPATHY, OPHTHALMOPLEGIA, LEUKOENCEPHALOPATHY, AND INTESTINAL PSEUDOOBSTRUCTION; Mitochondrial DNA depletion syndrome 1 (MNGIE type); Mitochondrial Neurogastrointestinal Encephalopathy Disease. Identifiers: Orphanet 298, MedGen C4551995, MONDO:0011283, OMIM 603041.

Submission:

Diagnostics Services (NGS), CSIR - Centre For Cellular And Molecular Biology
Classification: Pathogenic for Mitochondrial DNA depletion syndrome 1. Last evaluated: 2022-12-01. Review status: criteria provided, single submitter. Criteria: ACMG Guidelines, 2015. Collection method: clinical testing. Allele origin: unknown. Affected: yes. Observed: 1 variant allele, 1 homozygote.
Comment: The c.86dupC variant is not present in publicly available population databases like 1000 Genomes, EVS, ExAC, gnomAD, Indian Exome Database or our in-house exome database. This variant was neither published nor reported to clinical databases like ClinVar, Human Genome Mutation Database (HGMD) or OMIM, in any affected individuals. In silico pathogenicity prediction programs like MutationTaster2, CADD, Varsome, Franklin etc predicted this variant to be likely deleterious. This variant causes a frameshift at the 30th amino acid position of the original transcript, creating a premature translational stop signal in the altered transcript, which may either result in translation of truncated protein or cause nonsense mediated decay of the mRNA.

NM_001953.5(TYMP):c.86dup (p.Ser30fs)

Gene: TYMP (thymidine phosphorylase; minus strand). Cytogenetic location: 22q13.33.
Variant type: Duplication.
Coding change: c.86dup on transcript NM_001953.5 (MANE Select); coding-DNA position 86, one base duplicated (C; older notation c.86dupC).
Protein change: p.Ser30fs; shifts the reading frame from serine 30.
Molecular consequence: frameshift variant.
Genome position (GRCh38, 1-based): chr22:50,529,624, G duplicated on the plus strand (C on the coding strand, the reverse complement: TYMP is on the minus strand); the first of 3 consecutive G bases (chr22:50,529,624-50,529,626); duplicating any one gives the same sequence. VCF-style (leftmost placement, unchanged base first): chr22-50529623-A-AG. GRCh37 (hg19) VCF-style: chr22-50968052-A-AG.
Other names: c.86dup, p.Ser30fs (NM_001113755.3, NM_001113756.3, NM_001257988.1 and 1 more transcripts); c.86dupC (NM_001953.5); short protein forms S30fs.
Identifiers: ClinVar variation 1802275 (VCV001802275.3), dbSNP rs2522551571, ClinGen allele CA2580100050.